The following is an entry in ClinVar:

ClinVar aggregate classification (germline): Uncertain significance (1 of 4 stars; one submission).

Allele frequency attached by ClinVar (database versions not stated): gnomAD exomes below 0.00001.
gnomAD v4.1: 4 of 1,610,184 alleles (0.00025%); highest among the groups gnomAD compares: Non-Finnish European, 0.00034%; no homozygotes.

Submission:

CeGaT Center for Human Genetics Tuebingen
Classification: Uncertain significance. Last evaluated: 2024-01-01. Review status: criteria provided, single submitter. Criteria: CeGaT Center For Human Genetics Tuebingen Variant Classification Criteria Version 2. Collection method: clinical testing. Allele origin: germline. Affected: yes. Observed: 1 variant allele.
Comment: TTN: PM2, BP4

NM_001267550.2(TTN):c.39331C>T (p.Pro13111Ser)

Gene: TTN (titin; minus strand). Cytogenetic location: 2q31.2.
Variant type: single nucleotide variant.
Coding change: c.39331C>T on transcript NM_001267550.2 (MANE Select); coding-DNA position 39331, C replaced by T.
Protein change: p.Pro13111Ser; replaces proline 13111 with serine.
Molecular consequence: missense variant. On other transcripts: intron variant (3).
Genome position (GRCh38, 1-based): chr2:178,651,932, G>A on the plus strand (C>T on the coding strand, the complement: TTN is on the minus strand). VCF-style: chr2-178651932-G-A. GRCh37 (hg19) VCF-style: chr2-179516659-G-A.
Other names: c.34810C>T, p.Pro11604Ser (NM_001256850.1); c.32029C>T, p.Pro10677Ser (NM_133378.4); c.13283-9615C>T (NM_003319.4); c.13859-9615C>T (NM_133437.4); c.13658-9615C>T (NM_133432.3); short protein forms P10677S, P11604S, P13111S.
Identifiers: ClinVar variation 3026847 (VCV003026847.22), dbSNP rs1346687417, ClinGen allele CA349458225.